The following is an entry in ClinVar:

NM_001376256.1(CRYM):c.505C>T (p.Arg169Cys)

Gene: CRYM (crystallin mu; minus strand). Cytogenetic location: 16p12.2.
Variant type: single nucleotide variant.
Coding change: c.505C>T on transcript NM_001376256.1 (MANE Select); coding-DNA position 505, C replaced by T.
Protein change: p.Arg169Cys; replaces arginine 169 with cysteine.
Molecular consequence: missense variant.
Genome position (GRCh38, 1-based): chr16:21,267,722, G>A on the plus strand (C>T on the coding strand, the complement: CRYM is on the minus strand). VCF-style: chr16-21267722-G-A. GRCh37 (hg19) VCF-style: chr16-21279043-G-A.
Other names: c.505C>T (NM_001888.4); c.505C>T, p.Arg169Cys (NM_001888.5); short protein forms R169C.
Identifiers: ClinVar variation 4928893 (VCV004928893.2).

ClinVar aggregate classification (germline): Uncertain significance. Review status: criteria provided, multiple submitters, no conflicts (2 of 4 stars). 2 submissions from 2 submitters: Uncertain significance (2). Last evaluated 2026-03-25.

Conditions:
CRYM-related disorder. Also called: CRYM-related condition.

gnomAD v4.1: 41 of 1,614,040 alleles (0.0025%); highest among the groups gnomAD compares: Non-Finnish European, 0.0031%; no homozygotes.

Submissions (2):

PreventionGenetics, part of Exact Sciences
Classification: Uncertain significance for CRYM-related condition. Last evaluated: 2026-03-25. Review status: criteria provided, single submitter. Criteria: ACMG Guidelines, 2015. Collection method: clinical testing. Allele origin: germline.
Comment: The CRYM c.505C>T variant is predicted to result in the amino acid substitution p.Arg169Cys. This variant was reported along with other variants in an individual with amyotrophic lateral sclerosis (Daoud et al. 2011. PubMed ID: 21220648). This variant is reported in 0.0062% of alleles in individuals of African descent in gnomAD. At this time, the clinical significance of this variant is uncertain due to the absence of conclusive functional and genetic evidence.

Blueprint Genetics
Classification: Uncertain significance. Last evaluated: 2021-07-06. Review status: criteria provided, single submitter. Criteria: ACMG Guidelines, 2015. Collection method: clinical testing. Allele origin: germline.